The following is an entry in ClinVar:

ClinVar aggregate classification (germline): Conflicting classifications of pathogenicity. Review status: criteria provided, conflicting classifications (1 of 4 stars). 4 submissions from 4 submitters: Uncertain significance (1); Likely benign (3). Last evaluated 2025-07-02.

Conditions:
PLEC-related disorder. Also called: PLEC-related condition; PLEC-related disorders.
Epidermolysis bullosa simplex 5C, with pyloric atresia (EBS5C). Also called: PLEC-Related Epidermolysis Bullosa with Pyloric Atresia; Epidermolysis bullosa simplex with pyloric atresia; PLEC1-Related Epidermolysis Bullosa with Pyloric Atresia. Identifiers: Orphanet 158684, MedGen C2677349, MONDO:0012807, OMIM 612138.
Epidermolysis bullosa simplex with nail dystrophy (EBS5D). Identifiers: MedGen C4225309, MONDO:0014661, OMIM 616487.
Autosomal recessive limb-girdle muscular dystrophy type 2Q (LGMDR17). Also called: MUSCULAR DYSTROPHY, LIMB-GIRDLE, AUTOSOMAL RECESSIVE 17. Identifiers: Orphanet 254361, MedGen C3150989, MONDO:0013390, OMIM 613723.
Epidermolysis bullosa simplex, Ogna type (EBS5A). Also called: Pidermolysis bullosa simplex 5A, Ogna type; EPIDERMOLYSIS BULLOSA SIMPLEX 5A, OGNA TYPE. Identifiers: Orphanet 79401, MedGen C0432317, MONDO:0007555, OMIM 131950.
Epidermolysis bullosa simplex 5B, with muscular dystrophy (EBS5B). Also called: EPIDERMOLYSIS BULLOSA SIMPLEX AND LIMB-GIRDLE MUSCULAR DYSTROPHY; Epidermolysis bullosa simplex with muscular dystrophy. Identifiers: Orphanet 257, MedGen C2931072, MONDO:0009181, OMIM 226670.

Allele frequency attached by ClinVar (database versions not stated): 1000 Genomes Project 0.00020; 1000 Genomes Project 30x 0.00031; gnomAD 0.00003 and 0.00005; gnomAD exomes 0.00006 and 0.00014; TOPMed 0.00006; ExAC 0.00011.
gnomAD v4.1: 199 of 1,549,110 alleles (0.013%); highest among the groups gnomAD compares: East Asian, 0.017%; no homozygotes.

Submissions (4):

PreventionGenetics, part of Exact Sciences
Classification: Likely benign for PLEC-related condition. Last evaluated: 2025-07-02. Review status: criteria provided, single submitter. Criteria: ACMG Guidelines, 2015. Collection method: clinical testing. Allele origin: germline.
Comment: This variant is classified as likely benign based on ACMG/AMP sequence variant interpretation guidelines (Richards et al. 2015 PMID: 25741868, with internal and published modifications).

Labcorp Genetics (formerly Invitae), Labcorp
Classification: Likely benign for Autosomal recessive limb-girdle muscular dystrophy type 2Q; Epidermolysis bullosa simplex, Ogna type; Epidermolysis bullosa simplex with nail dystrophy; Epidermolysis bullosa simplex 5C, with pyloric atresia; Epidermolysis bullosa simplex 5B, with muscular dystrophy. Last evaluated: 2025-06-09. Review status: criteria provided, single submitter. Criteria: Invitae Variant Classification Sherloc (09022015). Collection method: clinical testing. Allele origin: germline.

Blueprint Genetics
Classification: Likely benign. Last evaluated: 2023-09-04. Review status: criteria provided, single submitter. Criteria: ACMG Guidelines, 2015. Collection method: clinical testing. Allele origin: germline.

Eurofins Ntd Llc (ga)
Classification: Uncertain significance. Last evaluated: 2016-11-06. Review status: criteria provided, single submitter. Criteria: EGL Classification Definitions 2015. Collection method: clinical testing. Allele origin: germline. Observed: 2 variant alleles, 2 heterozygotes.

NM_201384.3(PLEC):c.4077C>T (p.Arg1359=)

Gene: PLEC (plectin; minus strand). Cytogenetic location: 8q24.3.
Variant type: single nucleotide variant.
Coding change: c.4077C>T on transcript NM_201384.3 (MANE Select); coding-DNA position 4077, C replaced by T.
Protein change: p.Arg1359=; no amino-acid change (arginine 1359 retained).
Molecular consequence: synonymous variant.
Genome position (GRCh38, 1-based): chr8:143,925,852, G>A on the plus strand (C>T on the coding strand, the complement: PLEC is on the minus strand). VCF-style: chr8-143925852-G-A. GRCh37 (hg19) VCF-style: chr8-145000020-G-A.
Other names: c.4158C>T, p.Arg1386= (NM_000445.5); c.4035C>T, p.Arg1345= (NM_201378.4); c.4011C>T, p.Arg1337= (NM_201379.3); c.4488C>T, p.Arg1496= (NM_201380.4); c.3981C>T, p.Arg1327= (NM_201381.3); c.4077C>T, p.Arg1359= (NM_201382.4); c.4089C>T, p.Arg1363= (NM_201383.3).
Identifiers: ClinVar variation 283223 (VCV000283223.14), dbSNP rs553047216, ClinGen allele CA4926775.